The following is an entry in ClinVar:

NM_017780.4(CHD7):c.3059T>C (p.Leu1020Ser)

Gene: CHD7 (chromodomain helicase DNA binding protein 7; plus strand). Cytogenetic location: 8q12.2.
Variant type: single nucleotide variant.
Coding change: c.3059T>C on transcript NM_017780.4 (MANE Select); coding-DNA position 3059, T replaced by C.
Protein change: p.Leu1020Ser; replaces leucine 1020 with serine.
Molecular consequence: missense variant. On other transcripts: intron variant (1).
Genome position (GRCh38, 1-based): chr8:60,822,604, T>C. VCF-style: chr8-60822604-T-C. GRCh37 (hg19) VCF-style: chr8-61735163-T-C.
Other names: c.1717-39625T>C (NM_001316690.1); c.3059T>C (LRG_176t1); short protein forms L1020S.
Identifiers: ClinVar variation 381565 (VCV000381565.8), dbSNP rs1057521077, ClinGen allele CA16605400.

ClinVar aggregate classification (germline): Pathogenic/Likely pathogenic. Review status: criteria provided, multiple submitters, no conflicts (2 of 4 stars). 4 submissions from 4 submitters: Pathogenic (2); Likely pathogenic (2). Last evaluated 2025-08-07.

Conditions:
Inborn genetic diseases. Identifiers: MedGen C0950123, MeSH D030342.
CHD7-related disorder. Also called: CHD7-related condition.
CHD7-related CHARGE syndrome. Identifiers: MedGen CN380413, MONDO:1010178, OMIM 214800.

Submissions (4):

3billion
Classification: Likely pathogenic for CHD7-related CHARGE syndrome. Last evaluated: 2025-08-07. Review status: criteria provided, single submitter. Criteria: ACMG Guidelines, 2015. Collection method: clinical testing. Allele origin: germline. Affected: yes.
Comment: The variant is not observed in the gnomAD v4.1.0 dataset. Predicted Consequence/Location: Missense variant In silico tool predictions suggest damaging effect of the variant on gene or gene product [REVEL: 0.99 (>=0.6, sensitivity 0.68 and specificity 0.92); 3Cnet: 0.97 (> 0.75, sensitivity 0.96 and precision 0.92)]. The same nucleotide change resulting in the same amino acid change has been previously reported as pathogenic/likely pathogenic with strong evidence (ClinVar ID: VCV000381565 /PMID: 21554267). Therefore, this variant is classified as Likely pathogenic according to the recommendation of ACMG/AMP guideline.

GeneDx
Classification: Pathogenic. Last evaluated: 2024-02-25. Review status: criteria provided, single submitter. Criteria: GeneDx Variant Classification Process June 2021. Collection method: clinical testing. Allele origin: germline. Affected: yes.
Comment: Not observed at significant frequency in large population cohorts (gnomAD); In silico analysis supports that this missense variant has a deleterious effect on protein structure/function; In silico analysis suggests this variant may impact gene splicing; in the absence of RNA/functional studies the actual effect of this sequence change is unknown; This variant is associated with the following publications: (PMID: 22539353, 21554267)

Blueprint Genetics
Classification: Pathogenic for CHD7-related disorders. Last evaluated: 2021-05-20. Review status: criteria provided, single submitter. Criteria: ACMG Guidelines, 2015. Collection method: clinical testing. Allele origin: germline. Affected: yes. Observed: 1 variant allele.

Ambry Genetics
Classification: Likely pathogenic for Inborn genetic diseases. Last evaluated: 2017-12-05. Review status: criteria provided, single submitter. Criteria: Ambry exome assertion method (8-5-2015). Collection method: clinical testing. Allele origin: germline. Affected: yes. Observed: 1 variant allele.

Literature cited by the submitters: PubMed 21554267 (cited by 3billion and Ambry Genetics).